The following is an entry in ClinVar:

ClinVar aggregate classification (germline): Likely benign (1 of 4 stars; one submission).

Conditions:
Medulloblastoma (MDB). Also called: Medulloblastoma, somatic; MEDULLOBLASTOMA PREDISPOSITION SYNDROME. Identifiers: Orphanet 616, MedGen C0025149, MeSH D008527, MONDO:0007959, OMIM 155255, HP:0002885.

Allele frequency attached by ClinVar (database versions not stated): 1000 Genomes Project 0.00220; 1000 Genomes Project 30x 0.00234; TOPMed 0.00379; gnomAD 0.00400 and 0.00417; gnomAD exomes 0.00461.
gnomAD v4.1: 1,001 of 233,546 alleles (0.43%); highest among the groups gnomAD compares: Non-Finnish European, 0.64%; 6 homozygotes.

Submission:

Illumina Laboratory Services, Illumina
Classification: Likely benign for Medulloblastoma. Last evaluated: 2018-01-12. Review status: criteria provided, single submitter. Criteria: ICSL Variant Classification Criteria 13 December 2019. Collection method: clinical testing. Allele origin: germline.
Comment: This variant was observed in the ICSL laboratory as part of a predisposition screen in an ostensibly healthy population. It had not been previously curated by ICSL or reported in the Human Gene Mutation Database (HGMD: prior to June 1st, 2018), and was therefore a candidate for classification through an automated scoring system. Utilizing variant allele frequency, disease prevalence and penetrance estimates, and inheritance mode, an automated score was calculated to assess if this variant is too frequent to cause the disease. Based on the score and internal cut-off values, a variant classified as likely benign is not then subjected to further curation. The score for this variant resulted in a classification of likely benign for this disease.

NM_016169.4(SUFU):c.*2720C>T

Gene: SUFU (SUFU negative regulator of hedgehog signaling; plus strand). Cytogenetic location: 10q24.32.
Variant type: single nucleotide variant.
Coding change: c.*2720C>T on transcript NM_016169.4 (MANE Select); 2720 bases downstream of the stop codon, C replaced by T.
Molecular consequence: 3 prime UTR variant.
Genome position (GRCh38, 1-based): chr10:102,632,875, C>T. VCF-style: chr10-102632875-C-T. GRCh37 (hg19) VCF-style: chr10-104392632-C-T.
Identifiers: ClinVar variation 298608 (VCV000298608.5), dbSNP rs41287468, ClinGen allele CA10630830.